The following is an entry in ClinVar:

NM_000422.3(KRT17):c.54C>T (p.Ser18=)

Gene: KRT17 (keratin 17; minus strand). Cytogenetic location: 17q21.2.
Variant type: single nucleotide variant.
Coding change: c.54C>T on transcript NM_000422.3 (MANE Select); coding-DNA position 54, C replaced by T.
Protein change: p.Ser18=; no amino-acid change (serine 18 retained).
Molecular consequence: synonymous variant.
Genome position (GRCh38, 1-based): chr17:41,624,456, G>A on the plus strand (C>T on the coding strand, the complement: KRT17 is on the minus strand). VCF-style: chr17-41624456-G-A. GRCh37 (hg19) VCF-style: chr17-39780708-G-A.
Other names: c.54C>T (NM_000422.2).
Identifiers: ClinVar variation 2061291 (VCV002061291.6), dbSNP rs200589130, ClinGen allele CA8563876.

ClinVar aggregate classification (germline): Benign/Likely benign. Review status: criteria provided, multiple submitters, no conflicts (2 of 4 stars). 3 submissions from 3 submitters: Benign (1); Likely benign (2). Last evaluated 2026-08-05.

Conditions:
KRT17-related disorder. Also called: KRT17-related condition.

Allele frequency attached by ClinVar (database versions not stated): gnomAD 0.00029; gnomAD exomes 0.00035; ExAC 0.00078; 1000 Genomes Project 0.00140; 1000 Genomes Project 30x 0.00141.

Submissions (3):

PreventionGenetics, part of Exact Sciences
Classification: Likely benign for KRT17-related condition. Last evaluated: 2026-08-05. Review status: criteria provided, single submitter. Criteria: ACMG Guidelines, 2015. Collection method: clinical testing. Allele origin: germline.
Comment: This variant is classified as likely benign based on ACMG/AMP sequence variant interpretation guidelines (Richards et al. 2015 PMID: 25741868, with internal and published modifications).

Labcorp Genetics (formerly Invitae), Labcorp
Classification: Benign. Last evaluated: 2025-08-27. Review status: criteria provided, single submitter. Criteria: Invitae Variant Classification Sherloc (09022015). Collection method: clinical testing. Allele origin: germline.

Blueprint Genetics
Classification: Likely benign. Last evaluated: 2024-10-21. Review status: criteria provided, single submitter. Criteria: ACMG Guidelines, 2015. Collection method: clinical testing. Allele origin: germline.